The following is an entry in ClinVar:

NM_001278716.2(FBXL4):c.666A>C (p.Ala222=)

Gene: FBXL4 (F-box and leucine rich repeat protein 4; minus strand). Cytogenetic location: 6q16.2.
Variant type: single nucleotide variant.
Coding change: c.666A>C on transcript NM_001278716.2 (MANE Select); coding-DNA position 666, A replaced by C.
Protein change: p.Ala222=; no amino-acid change (alanine 222 retained).
Molecular consequence: synonymous variant.
Genome position (GRCh38, 1-based): chr6:98,917,566, T>G on the plus strand (A>C on the coding strand, the complement: FBXL4 is on the minus strand). VCF-style: chr6-98917566-T-G. GRCh37 (hg19) VCF-style: chr6-99365442-T-G.
Other names: c.666A>C, p.Ala222= (NM_012160.5).
Identifiers: ClinVar variation 437611 (VCV000437611.6), dbSNP rs781455701, ClinGen allele CA3933642.

ClinVar aggregate classification (germline): Conflicting classifications of pathogenicity. Review status: criteria provided, conflicting classifications (1 of 4 stars). 3 submissions from 3 submitters: Uncertain significance (1); Likely benign (2). Last evaluated 2024-09-19.

Conditions:
Mitochondrial DNA depletion syndrome 13. Also called: Mitochondrial DNA depletion syndrome 13 (encephalomyopathic type); FBXL4-Related Encephalomyopathic Mitochondrial DNA Depletion Syndrome. Identifiers: Orphanet 369897, MedGen C3809592, MONDO:0014198, OMIM 615471.

Allele frequency attached by ClinVar (database versions not stated): gnomAD exomes below 0.00001; ExAC 0.00001; TOPMed 0.00001.
gnomAD v4.1: 15 of 1,613,926 alleles (0.00093%); highest among the groups gnomAD compares: African/African-American, 0.0013%; no homozygotes.

Submissions (3):

Blueprint Genetics
Classification: Likely benign. Last evaluated: 2024-09-19. Review status: criteria provided, single submitter. Criteria: ACMG Guidelines, 2015. Collection method: clinical testing. Allele origin: germline.

Labcorp Genetics (formerly Invitae), Labcorp
Classification: Likely benign. Last evaluated: 2023-07-08. Review status: criteria provided, single submitter. Criteria: Invitae Variant Classification Sherloc (09022015). Collection method: clinical testing. Allele origin: germline.

Wong Mito Lab, Molecular and Human Genetics, Baylor College of Medicine
Classification: Uncertain significance for Mitochondrial DNA depletion syndrome 13. Last evaluated: 2017-08-10. Review status: criteria provided, single submitter. Criteria: ACMG Guidelines, 2015. Collection method: reference population. Allele origin: germline.
Comment: The NM_012160.4:c.666A>C (NP_036292.2:p.Ala222=) [GRCH38: NC_000006.12:g.98917566T>G] variant in FBXL4 gene is interpretated to be a Uncertain Significance - Conflicting Evidence based on ACMG guidelines (PMID: 25741868). This variant meets one or more of the following evidence codes reported in the ACMG-guideline. PM2:This variant is absent in key population databases. BP4:Computational evidence/predictors indicate no impact on the FBXL4 structure, function, or protein-protein interaction. BP7:The variant is silent with non predicted splice impact. Based on this evidence code ClinGen Pathogenicity Calculator (PMID:28081714) suggested that the variant is Uncertain Significance - Conflicting Evidence.